The following is an entry in ClinVar:

NM_014712.3(SETD1A):c.781G>A (p.Gly261Ser)

Gene: SETD1A (SET domain containing 1A, histone lysine methyltransferase; plus strand). Cytogenetic location: 16p11.2.
Variant type: single nucleotide variant.
Coding change: c.781G>A on transcript NM_014712.3 (MANE Select); coding-DNA position 781, G replaced by A.
Protein change: p.Gly261Ser; replaces glycine 261 with serine.
Molecular consequence: missense variant.
Genome position (GRCh38, 1-based): chr16:30,964,235, G>A. VCF-style: chr16-30964235-G-A. GRCh37 (hg19) VCF-style: chr16-30975556-G-A.
Other names: short protein forms G261S.
Identifiers: ClinVar variation 4879507 (VCV004879507.1).
Genomic context (GRCh38, chr16:30,964,235, plus strand): 5'-ACCCCCTGCTCCCAGGACACAAGCTTCTCCAGCAGCCGACAAGATACCCCATCTTCCTTT[G>A]GCCAGTTCACACCTCAGTCCTCCCAAGGAACCCCCTACACGTCTCGGGGCAGCACCCCCT-3'
Protein context (NP_055527.1, residues 251-271): SSRQDTPSSF[Gly261Ser]QFTPQSSQGT

ClinVar aggregate classification (germline): Uncertain significance (1 of 4 stars; one submission).

Conditions:
Epilepsy, early-onset, with or without developmental delay. Identifiers: MedGen C5882670, MONDO:0030005, OMIM 618832.
Neurodevelopmental disorder with speech impairment and dysmorphic facies. Identifiers: MedGen C5436699, MONDO:0033630, OMIM 619056.

Submission:

Clinical Genomics Laboratory, Washington University in St. Louis
Classification: Uncertain significance for Epilepsy, early-onset, with or without developmental delay; Neurodevelopmental disorder with speech impairment and dysmorphic facies. Last evaluated: 2026-03-30. Review status: criteria provided, single submitter. Criteria: ACMG Guidelines, 2015. Collection method: clinical testing. Allele origin: germline.
Comment: The SETD1A c.781G>A (p.Gly261Ser) variant, to our knowledge, has not been reported in the medical literature. This variant is only observed in 1/1613940 alleles in the general population (gnomAD v4.1.0), indicating it is not a common variant. Computational predictors are uncertain as to the impact of this variant on SETD1A function. Due to limited information, and based on ACMG/AMP guidelines for variant interpretation (Richards S et al., PMID: 25741868), the clinical significance of this variant is uncertain at this time.